The following is an entry in ClinVar:

ClinVar aggregate classification (germline): Uncertain significance (1 of 4 stars; one submission).

Submission:

GeneDx
Classification: Uncertain significance. Last evaluated: 2013-09-17. Review status: criteria provided, single submitter. Criteria: GeneDx Variant Classification (06012015). Collection method: clinical testing. Allele origin: germline. Affected: yes.
Comment: Missense variants in the TTN gene are considered 'unclassified' if they are not previously reported in the literature and do not have >1% frequency in the population to be considered a polymorphism. Research indicates that truncating mutations in the TTN gene are expected to account for approximately 25% of familial and 18% of sporadic idiopathic DCM; however, truncating variants in the TTN gene have been reported in approximately 3% of reported control alleles. There has been little investigation into non-truncating variants. (Herman D et al. Truncations of titin causing dilated cardiomyopathy. N Eng J Med 366:619-628, 2012) The variant is found in DCM panel(s).

NM_001267550.2(TTN):c.16496C>T (p.Thr5499Ile)

Gene: TTN (titin; minus strand). Cytogenetic location: 2q31.2.
Variant type: single nucleotide variant.
Coding change: c.16496C>T on transcript NM_001267550.2 (MANE Select); coding-DNA position 16496, C replaced by T.
Protein change: p.Thr5499Ile; replaces threonine 5499 with isoleucine.
Molecular consequence: missense variant. On other transcripts: intron variant (3).
Genome position (GRCh38, 1-based): chr2:178,732,565, G>A on the plus strand (C>T on the coding strand, the complement: TTN is on the minus strand). VCF-style: chr2-178732565-G-A. GRCh37 (hg19) VCF-style: chr2-179597292-G-A.
Other names: p.T5182I:ACC>ATC; c.15545C>T, p.Thr5182Ile (NM_001256850.1); c.12764C>T, p.Thr4255Ile (NM_133378.4); c.13282+5517C>T (NM_003319.4); c.13858+5517C>T (NM_133437.4); c.13657+5517C>T (NM_133432.3); short protein forms T5182I, T5499I, T4255I.
Identifiers: ClinVar variation 203256 (VCV000203256.2), dbSNP rs794729611, ClinGen allele CA311832.
Genomic context (GRCh38, chr2:178,732,565, plus strand): 5'-GTGCCCGAATCAGAGGTTTTTACTAAATAGAGTTCCAGGGAACTCTCTAAAGCTTCTTTG[G>A]TAATATAGCAGCTTCCACCAGAAACCAGCTCTTTGTTGCCCTTAAACCATCTGATTGTGA-3'
Protein context (NP_001254479.2, residues 5489-5509): ELVSGGSCYI[Thr5499Ile]KEALESSLEL